The following is an entry in ClinVar:

NM_001164508.2(NEB):c.21401C>T (p.Ser7134Leu)

Genes: NEB (nebulin; minus strand), RIF1 (replication timing regulatory factor 1; plus strand). Cytogenetic location: 2q23.3.
Variant type: single nucleotide variant.
Coding change: c.21401C>T on transcript NM_001164508.2 (MANE Select); coding-DNA position 21401, C replaced by T.
Protein change: p.Ser7134Leu; replaces serine 7134 with leucine.
Molecular consequence: missense variant. On other transcripts: intron variant (2).
Genome position (GRCh38, 1-based): chr2:151,533,458, G>A on the plus strand (C>T on the coding strand, the complement: NEB is on the minus strand). VCF-style: chr2-151533458-G-A. GRCh37 (hg19) VCF-style: chr2-152389972-G-A.
Other names: c.21506C>T, p.Ser7169Leu (NM_001271208.2); c.16314+757C>T (NM_004543.5); c.21417+757C>T (NM_001164507.2); short protein forms S7134L, S7169L.
Identifiers: ClinVar variation 1310380 (VCV001310380.6), dbSNP rs1199851750, ClinGen allele CA348771347.

ClinVar aggregate classification (germline): Conflicting classifications of pathogenicity. Review status: criteria provided, conflicting classifications (1 of 4 stars). 2 submissions from 2 submitters: Uncertain significance (1); Likely benign (1). Last evaluated 2026-01-11.

Conditions:
Nemaline myopathy 2 (NEM2). Also called: Nemaline myopathy 2, autosomal recessive. Identifiers: MedGen C1850569, MONDO:0009725, OMIM 256030.

Allele frequency attached by ClinVar (database versions not stated): gnomAD exomes 0.00001 and 0.00002; TOPMed 0.00001.
gnomAD v4.1: 17 of 1,550,320 alleles (0.0011%); highest among the groups gnomAD compares: Admixed American, 0.0039%; no homozygotes.

Submissions (2):

Labcorp Genetics (formerly Invitae), Labcorp
Classification: Likely benign for Nemaline myopathy 2. Last evaluated: 2026-01-11. Review status: criteria provided, single submitter. Criteria: Invitae Variant Classification Sherloc (09022015). Collection method: clinical testing. Allele origin: germline.

GeneDx
Classification: Uncertain significance. Last evaluated: 2019-11-21. Review status: criteria provided, single submitter. Criteria: GeneDx Variant Classification Process June 2021. Collection method: clinical testing. Allele origin: germline. Affected: yes.
Comment: Not observed at a significant frequency in large population cohorts (Lek et al., 2016); In silico analysis, which includes protein predictors and evolutionary conservation, supports a deleterious effect; Has not been previously published as pathogenic or benign to our knowledge